The following is an entry in ClinVar:

ClinVar aggregate classification (germline): Uncertain significance (1 of 4 stars; one submission).

Conditions:
Ataxia-telangiectasia syndrome (AT). Also called: LOUIS-BAR SYNDROME; Cerebello-oculocutaneous telangiectasia; Immunodeficiency with ataxia telangiectasia; ATAXIA-TELANGIECTASIA, COMPLEMENTATION GROUP A; ATAXIA-TELANGIECTASIA, FRESNO VARIANT; Ataxia-telangiectasia, complementation group D. Identifiers: Orphanet 100, MedGen C0004135, MONDO:0008840, OMIM 208900.

Submission:

Labcorp Genetics (formerly Invitae), Labcorp
Classification: Uncertain significance for Ataxia-telangiectasia syndrome. Last evaluated: 2024-05-21. Review status: criteria provided, single submitter. Criteria: Invitae Variant Classification Sherloc (09022015). Collection method: clinical testing. Allele origin: germline.
Comment: This sequence change replaces leucine, which is neutral and non-polar, with phenylalanine, which is neutral and non-polar, at codon 1497 of the ATM protein (p.Leu1497Phe). This variant is not present in population databases (gnomAD no frequency). This variant has not been reported in the literature in individuals affected with ATM-related conditions. An algorithm developed to predict the effect of missense changes on protein structure and function (PolyPhen-2) suggests that this variant is likely to be disruptive. In summary, the available evidence is currently insufficient to determine the role of this variant in disease. Therefore, it has been classified as a Variant of Uncertain Significance.

NM_000051.4(ATM):c.4491A>T (p.Leu1497Phe)

Gene: ATM (ATM serine/threonine kinase; plus strand). Cytogenetic location: 11q22.3.
Variant type: single nucleotide variant.
Coding change: c.4491A>T on transcript NM_000051.4 (MANE Select); coding-DNA position 4491, A replaced by T.
Protein change: p.Leu1497Phe; replaces leucine 1497 with phenylalanine.
Molecular consequence: missense variant.
Genome position (GRCh38, 1-based): chr11:108,292,673, A>T. VCF-style: chr11-108292673-A-T. GRCh37 (hg19) VCF-style: chr11-108163400-A-T.
Other names: c.4491A>T, p.Leu1497Phe (NM_001351834.2); short protein forms L1497F.
Identifiers: ClinVar variation 3654043 (VCV003654043.2).